The following is an entry in ClinVar:

NM_006379.5(SEMA3C):c.986+6T>G

Gene: SEMA3C (semaphorin 3C; minus strand). Cytogenetic location: 7q21.11.
Variant type: single nucleotide variant.
Coding change: c.986+6T>G on transcript NM_006379.5 (MANE Select); 6 bases into the intron after coding-DNA position 986, T replaced by G.
Molecular consequence: intron variant.
Genome position (GRCh38, 1-based): chr7:80,800,751, A>C on the plus strand (T>G on the coding strand, the complement: SEMA3C is on the minus strand). VCF-style: chr7-80800751-A-C. GRCh37 (hg19) VCF-style: chr7-80430067-A-C.
Other names: c.1040+6T>G (NM_001350120.2); c.812+6T>G (NM_001350121.2).
Identifiers: ClinVar variation 3348985 (VCV003348985.1).

ClinVar aggregate classification (germline): Likely benign (0 of 4 stars; one submission).

Conditions:
SEMA3C-related disorder. Also called: SEMA3C-related condition.

gnomAD v4.1: 5 of 1,506,722 alleles (0.00033%); highest among the groups gnomAD compares: Non-Finnish European, 0.00045%; no homozygotes.

Submission:

PreventionGenetics, part of Exact Sciences
Classification: Likely benign for SEMA3C-related condition. Last evaluated: 2024-03-27. Review status: no assertion criteria provided. Collection method: clinical testing. Allele origin: germline.
Comment: This variant is classified as likely benign based on ACMG/AMP sequence variant interpretation guidelines (Richards et al. 2015 PMID: 25741868, with internal and published modifications).